The following is an entry in ClinVar:

ClinVar aggregate classification (germline): Uncertain significance (1 of 4 stars; one submission).

Allele frequency attached by ClinVar (database versions not stated): gnomAD exomes below 0.00001.

Submission:

Labcorp Genetics (formerly Invitae), Labcorp
Classification: Uncertain significance. Last evaluated: 2024-07-08. Review status: criteria provided, single submitter. Criteria: Invitae Variant Classification Sherloc (09022015). Collection method: clinical testing. Allele origin: germline.
Comment: This sequence change replaces arginine, which is basic and polar, with lysine, which is basic and polar, at codon 196 of the TYR protein (p.Arg196Lys). This variant is present in population databases (no rsID available, gnomAD 0.0009%). This variant has not been reported in the literature in individuals affected with TYR-related conditions. ClinVar contains an entry for this variant (Variation ID: 1469020). Advanced modeling of protein sequence and biophysical properties (such as structural, functional, and spatial information, amino acid conservation, physicochemical variation, residue mobility, and thermodynamic stability) performed at Invitae indicates that this missense variant is not expected to disrupt TYR protein function with a negative predictive value of 80%. In summary, the available evidence is currently insufficient to determine the role of this variant in disease. Therefore, it has been classified as a Variant of Uncertain Significance.

NM_000372.5(TYR):c.587G>A (p.Arg196Lys)

Gene: TYR (tyrosinase; plus strand). Cytogenetic location: 11q14.3.
Variant type: single nucleotide variant.
Coding change: c.587G>A on transcript NM_000372.5 (MANE Select); coding-DNA position 587, G replaced by A.
Protein change: p.Arg196Lys; replaces arginine 196 with lysine.
Molecular consequence: missense variant.
Genome position (GRCh38, 1-based): chr11:89,178,540, G>A. VCF-style: chr11-89178540-G-A. GRCh37 (hg19) VCF-style: chr11-88911708-G-A.
Other names: short protein forms R196K.
Identifiers: ClinVar variation 1469020 (VCV001469020.7), dbSNP rs1307621512, ClinGen allele CA382034820.